The following is an entry in ClinVar:

NM_005751.5(AKAP9):c.1361G>A (p.Arg454Lys)

Gene: AKAP9 (A-kinase anchoring protein 9; plus strand). Cytogenetic location: 7q21.2.
Variant type: single nucleotide variant.
Coding change: c.1361G>A on transcript NM_005751.5 (MANE Select); coding-DNA position 1361, G replaced by A.
Protein change: p.Arg454Lys; replaces arginine 454 with lysine.
Molecular consequence: missense variant.
Genome position (GRCh38, 1-based): chr7:92,001,278, G>A. VCF-style: chr7-92001278-G-A. GRCh37 (hg19) VCF-style: chr7-91630592-G-A.
Other names: c.1361G>A, p.Arg454Lys (NM_147185.3); short protein forms R454K.
Identifiers: ClinVar variation 2574004 (VCV002574004.4), dbSNP rs2484689730, ClinGen allele CA368121607.

ClinVar aggregate classification (germline): Conflicting classifications of pathogenicity. Review status: criteria provided, conflicting classifications (1 of 4 stars). 2 submissions from 2 submitters: Uncertain significance (1); Likely benign (1). Last evaluated 2024-10-22.

Conditions:
Long QT syndrome (LQTS). Identifiers: MedGen C0023976, MeSH D008133, MONDO:0002442. Disease mechanism: loss of function. Inheritance: Various modes of inheritance.
Cardiovascular phenotype. Identifiers: MedGen CN230736.

Submissions (2):

Ambry Genetics
Classification: Likely benign for Cardiovascular phenotype. Last evaluated: 2024-10-22. Review status: criteria provided, single submitter. Criteria: Ambry Variant Classification Scheme 2023. Collection method: clinical testing. Allele origin: germline.

Dept of Medical Biology, Uskudar University
Classification: Uncertain significance for Long QT syndrome. Last evaluated: 2024-01-08. Review status: criteria provided, single submitter. Criteria: Dept of Medical Biology Variant Classification. Collection method: research. Allele origin: paternal. Affected: yes. Observed: 1 variant allele.
Comment: Criteria: PM2, BP4